The following is an entry in ClinVar:

NM_018230.3(NUP133):c.599T>C (p.Phe200Ser)

Gene: NUP133 (nucleoporin 133; minus strand). Cytogenetic location: 1q42.13.
Variant type: single nucleotide variant.
Coding change: c.599T>C on transcript NM_018230.3 (MANE Select); coding-DNA position 599, T replaced by C.
Protein change: p.Phe200Ser; replaces phenylalanine 200 with serine.
Molecular consequence: missense variant.
Genome position (GRCh38, 1-based): chr1:229,499,733, A>G on the plus strand (T>C on the coding strand, the complement: NUP133 is on the minus strand). VCF-style: chr1-229499733-A-G. GRCh37 (hg19) VCF-style: chr1-229635480-A-G.
Other names: c.599T>C (NM_018230.2); short protein forms F200S.
Identifiers: ClinVar variation 1598652 (VCV001598652.11), dbSNP rs147872768, ClinGen allele CA1443781.

ClinVar aggregate classification (germline): Benign/Likely benign. Review status: criteria provided, multiple submitters, no conflicts (2 of 4 stars). 3 submissions from 3 submitters: Benign (1); Likely benign (1). 1 of the submissions does not count toward it. Last evaluated 2026-08-01.

Conditions:
NUP133-related disorder. Also called: NUP133-related condition.

Allele frequency attached by ClinVar (database versions not stated): gnomAD exomes 0.00029 and 0.00081; ExAC 0.00089; 1000 Genomes Project 0.00300; gnomAD 0.00311 and 0.00339; 1000 Genomes Project 30x 0.00312; TOPMed 0.00351; ESP Exome Variant Server 0.00377.
gnomAD v4.1: 918 of 1,614,122 alleles (0.057%); highest among the groups gnomAD compares: African/African-American, 1.1%; 6 homozygotes.

Submissions (3):

CeGaT Center for Human Genetics Tuebingen
Classification: Likely benign. Last evaluated: 2026-08-01. Review status: criteria provided, single submitter. Criteria: CeGaT Center For Human Genetics Tuebingen Variant Classification Criteria Version 2. Collection method: clinical testing. Allele origin: germline. Affected: yes. Observed: 1 variant allele.
Comment: NUP133: BP4, BS1

Labcorp Genetics (formerly Invitae), Labcorp
Classification: Benign. Last evaluated: 2025-12-30. Review status: criteria provided, single submitter. Criteria: Invitae Variant Classification Sherloc (09022015). Collection method: clinical testing. Allele origin: germline.

PreventionGenetics, part of Exact Sciences
Classification: Benign for NUP133-related condition. Last evaluated: 2024-08-25. Review status: no assertion criteria provided. Collection method: clinical testing. Allele origin: germline. Not counted in ClinVar's aggregate classification.
Comment: This variant is classified as benign based on ACMG/AMP sequence variant interpretation guidelines (Richards et al. 2015 PMID: 25741868, with internal and published modifications).